The following is an entry in ClinVar:

NM_138927.4(SON):c.5999G>C (p.Arg2000Thr)

Gene: SON (SON DNA and RNA binding protein; plus strand). Cytogenetic location: 21q22.11.
Variant type: single nucleotide variant.
Coding change: c.5999G>C on transcript NM_138927.4 (MANE Select); coding-DNA position 5999, G replaced by C.
Protein change: p.Arg2000Thr; replaces arginine 2000 with threonine.
Molecular consequence: missense variant. On other transcripts: non-coding transcript variant (1), intron variant (1).
Genome position (GRCh38, 1-based): chr21:33,555,230, G>C. VCF-style: chr21-33555230-G-C. GRCh37 (hg19) VCF-style: chr21-34927536-G-C.
Other names: c.5999G>C, p.Arg2000Thr (NM_001291411.2, NM_032195.3); c.245-1926G>C (NM_001291412.3); short protein forms R2000T.
Identifiers: ClinVar variation 4718190 (VCV004718190.1).

ClinVar aggregate classification (germline): Uncertain significance (1 of 4 stars; one submission).

Submission:

Labcorp Genetics (formerly Invitae), Labcorp
Classification: Uncertain significance. Last evaluated: 2025-04-23. Review status: criteria provided, single submitter. Criteria: Invitae Variant Classification Sherloc (09022015). Collection method: clinical testing. Allele origin: germline.
Comment: This sequence change replaces arginine, which is basic and polar, with threonine, which is neutral and polar, at codon 2000 of the SON protein (p.Arg2000Thr). This variant is not present in population databases (gnomAD no frequency). This variant has not been reported in the literature in individuals affected with SON-related conditions. Experimental studies and prediction algorithms are not available or were not evaluated, and the functional significance of this variant is currently unknown. In summary, the available evidence is currently insufficient to determine the role of this variant in disease. Therefore, it has been classified as a Variant of Uncertain Significance.